The following is an entry in ClinVar:

ClinVar aggregate classification (germline): Uncertain significance (1 of 4 stars; one submission).

Conditions:
Developmental and epileptic encephalopathy, 33 (DEE33). Also called: Epileptic encephalopathy, early infantile, 33. Identifiers: Orphanet 442835, MedGen C4225337, MONDO:0014625, OMIM 616409.

Submission:

Labcorp Genetics (formerly Invitae), Labcorp
Classification: Uncertain significance for Developmental and epileptic encephalopathy, 33. Last evaluated: 2022-08-23. Review status: criteria provided, single submitter. Criteria: Invitae Variant Classification Sherloc (09022015). Collection method: clinical testing. Allele origin: germline.
Comment: In summary, the available evidence is currently insufficient to determine the role of this variant in disease. Therefore, it has been classified as a Variant of Uncertain Significance. Advanced modeling of protein sequence and biophysical properties (such as structural, functional, and spatial information, amino acid conservation, physicochemical variation, residue mobility, and thermodynamic stability) performed at Invitae indicates that this missense variant is expected to disrupt EEF1A2 protein function. This variant has not been reported in the literature in individuals affected with EEF1A2-related conditions. This variant is not present in population databases (gnomAD no frequency). This sequence change replaces threonine, which is neutral and polar, with alanine, which is neutral and non-polar, at codon 72 of the EEF1A2 protein (p.Thr72Ala).

NM_001958.5(EEF1A2):c.214A>G (p.Thr72Ala)

Gene: EEF1A2 (eukaryotic translation elongation factor 1 alpha 2; minus strand). Cytogenetic location: 20q13.33.
Variant type: single nucleotide variant.
Coding change: c.214A>G on transcript NM_001958.5 (MANE Select); coding-DNA position 214, A replaced by G.
Protein change: p.Thr72Ala; replaces threonine 72 with alanine.
Molecular consequence: missense variant.
Genome position (GRCh38, 1-based): chr20:63,495,966, T>C on the plus strand (A>G on the coding strand, the complement: EEF1A2 is on the minus strand). VCF-style: chr20-63495966-T-C. GRCh37 (hg19) VCF-style: chr20-62127319-T-C.
Other names: short protein forms T72A.
Identifiers: ClinVar variation 2130753 (VCV002130753.4), dbSNP rs2516784694, ClinGen allele CA409651497.